The following is an entry in ClinVar:

ClinVar aggregate classification (germline): Uncertain significance (1 of 4 stars; one submission).

Submission:

Labcorp Genetics (formerly Invitae), Labcorp
Classification: Uncertain significance. Last evaluated: 2023-02-25. Review status: criteria provided, single submitter. Criteria: Invitae Variant Classification Sherloc (09022015). Collection method: clinical testing. Allele origin: germline.
Comment: In summary, the available evidence is currently insufficient to determine the role of this variant in disease. Therefore, it has been classified as a Variant of Uncertain Significance. An algorithm developed to predict the effect of missense changes on protein structure and function (PolyPhen-2) suggests that this variant is likely to be disruptive. This variant has not been reported in the literature in individuals affected with SPTB-related conditions. This variant is not present in population databases (gnomAD no frequency). This sequence change replaces aspartic acid, which is acidic and polar, with valine, which is neutral and non-polar, at codon 81 of the SPTB protein (p.Asp81Val).

NM_001355436.2(SPTB):c.242A>T (p.Asp81Val)

Gene: SPTB (spectrin beta, erythrocytic; minus strand). Cytogenetic location: 14q23.3.
Variant type: single nucleotide variant.
Coding change: c.242A>T on transcript NM_001355436.2 (MANE Select); coding-DNA position 242, A replaced by T.
Protein change: p.Asp81Val; replaces aspartic acid 81 with valine.
Molecular consequence: missense variant.
Genome position (GRCh38, 1-based): chr14:64,804,997, T>A on the plus strand (A>T on the coding strand, the complement: SPTB is on the minus strand). VCF-style: chr14-64804997-T-A. GRCh37 (hg19) VCF-style: chr14-65271715-T-A.
Other names: c.242A>T, p.Asp81Val (NM_001024858.4, NM_001355437.2); short protein forms D81V.
Identifiers: ClinVar variation 2840781 (VCV002840781.3), dbSNP rs2503226788, ClinGen allele CA390036001.